The following is an entry in ClinVar:

NM_001267550.2(TTN):c.46788del (p.Ala15597fs)

Genes: TTN (titin; minus strand), TTN-AS1 (TTN antisense RNA 1; plus strand). Cytogenetic location: 2q31.2.
Variant type: Deletion.
Coding change: c.46788del on transcript NM_001267550.2 (MANE Select); coding-DNA position 46788, one base deleted (A; older notation c.46788delA).
Protein change: p.Ala15597fs; shifts the reading frame from alanine 15597.
Molecular consequence: frameshift variant.
Genome position (GRCh38, 1-based): chr2:178,618,762, T deleted on the plus strand (A on the coding strand, the reverse complement: TTN is on the minus strand); the first of 3 consecutive T bases (chr2:178,618,762-178,618,764); deleting any one gives the same sequence. VCF-style (leftmost placement, unchanged base first): chr2-178618761-CT-C. GRCh37 (hg19) VCF-style: chr2-179483488-CT-C.
Other names: c.41865del, p.Ala13956fs (NM_001256850.1); c.19593del, p.Ala6532fs (NM_003319.4); c.39084del, p.Ala13029fs (NM_133378.4); c.19968del, p.Ala6657fs (NM_133432.3); c.20169del, p.Ala6724fs (NM_133437.4); short protein forms A6532fs, A6657fs, A6724fs, A15597fs, A13029fs, A13956fs.
Identifiers: ClinVar variation 1349769 (VCV001349769.6), dbSNP rs2154209882, ClinGen allele CA2573133866.

ClinVar aggregate classification (germline): Likely pathogenic (1 of 4 stars; one submission).

Conditions:
Dilated cardiomyopathy 1G (CMD1G). Identifiers: Orphanet 154, MedGen C1858763, MONDO:0011400, OMIM 604145.
Autosomal recessive limb-girdle muscular dystrophy type 2J (LGMDR10). Also called: Limb-girdle muscular dystrophy, type 2J; MUSCULAR DYSTROPHY, LIMB-GIRDLE, AUTOSOMAL RECESSIVE 10. Identifiers: Orphanet 140922, MedGen C1837342, MONDO:0012127, OMIM 608807.

Submission:

Labcorp Genetics (formerly Invitae), Labcorp
Classification: Likely pathogenic for Dilated cardiomyopathy 1G; Autosomal recessive limb-girdle muscular dystrophy type 2J. Last evaluated: 2024-10-28. Review status: criteria provided, single submitter. Criteria: Invitae Variant Classification Sherloc (09022015). Collection method: clinical testing. Allele origin: germline.
Comment: This sequence change creates a premature translational stop signal (p.Ala15597Glnfs*29) in the TTN gene. While this is not anticipated to result in nonsense mediated decay, it is expected to create a truncated TTN protein. This variant is not present in population databases (gnomAD no frequency). This variant has not been reported in the literature in individuals affected with TTN-related conditions. ClinVar contains an entry for this variant (Variation ID: 1349769). This variant is located in the I band of TTN (PMID: 25589632). Truncating variants in this region have been reported in individuals affected with autosomal recessive centronuclear myopathy (PMID: 23975875, internal data). Truncating variants in this region have also been identified in individuals affected with autosomal dominant dilated cardiomyopathy and/or cardio-related conditions (PMID: 27869827, 32964742, internal data). In summary, the currently available evidence indicates that the variant is pathogenic, but additional data are needed to prove that conclusively. Therefore, this variant has been classified as Likely Pathogenic.

Literature cited by the submitters: PubMed 25589632; PubMed 23975875; PubMed 27869827; PubMed 32964742.